The following is an entry in ClinVar:

ClinVar aggregate classification (germline): Likely pathogenic (1 of 4 stars; one submission).

Conditions:
Arthrogryposis multiplex congenita 6. Identifiers: MedGen C5543431, MONDO:0030281, OMIM 619334.
Nemaline myopathy 2 (NEM2). Also called: Nemaline myopathy 2, autosomal recessive. Identifiers: MedGen C1850569, MONDO:0009725, OMIM 256030.

Submission:

First Genomix Gene Laboratory, Genetic Diagnostics Department
Classification: Likely pathogenic for Arthrogryposis multiplex congenita 6; Nemaline myopathy 2. Last evaluated: 2025-04-11. Review status: criteria provided, single submitter. Criteria: ACMG Guidelines, 2015. Collection method: clinical testing. Allele origin: germline. Inheritance: Autosomal recessive inheritance. Affected: no. Observed: 1 variant allele.

NM_001164508.2(NEB):c.10040T>A (p.Leu3347Ter)

Gene: NEB (nebulin; minus strand). Cytogenetic location: 2q23.3.
Variant type: single nucleotide variant.
Coding change: c.10040T>A on transcript NM_001164508.2 (MANE Select); coding-DNA position 10040, T replaced by A.
Protein change: p.Leu3347Ter; replaces leucine 3347 with a stop codon.
Molecular consequence: nonsense.
Genome position (GRCh38, 1-based): chr2:151,627,626, A>T on the plus strand (T>A on the coding strand, the complement: NEB is on the minus strand). VCF-style: chr2-151627626-A-T. GRCh37 (hg19) VCF-style: chr2-152484140-A-T.
Other names: c.10040T>A, p.Leu3347Ter (NM_001164507.2, NM_001271208.2); c.9311T>A, p.Leu3104Ter (NM_004543.5); short protein forms L3104*, L3347*.
Identifiers: ClinVar variation 4526598 (VCV004526598.1).